The following is an entry in ClinVar:

ClinVar aggregate classification (germline): Uncertain significance. Review status: criteria provided, multiple submitters, no conflicts (2 of 4 stars). 2 submissions from 2 submitters: Uncertain significance (2). Last evaluated 2022-10-21.

Submissions (2):

Labcorp Genetics (formerly Invitae), Labcorp
Classification: Uncertain significance. Last evaluated: 2022-10-21. Review status: criteria provided, single submitter. Criteria: Invitae Variant Classification Sherloc (09022015). Collection method: clinical testing. Allele origin: germline.
Comment: This sequence change replaces methionine, which is neutral and non-polar, with isoleucine, which is neutral and non-polar, at codon 199 of the RECQL protein (p.Met199Ile). This variant is not present in population databases (gnomAD no frequency). This variant has not been reported in the literature in individuals affected with RECQL-related conditions. Advanced modeling of protein sequence and biophysical properties (such as structural, functional, and spatial information, amino acid conservation, physicochemical variation, residue mobility, and thermodynamic stability) performed at Invitae indicates that this missense variant is not expected to disrupt RECQL protein function. In summary, the available evidence is currently insufficient to determine the role of this variant in disease. Therefore, it has been classified as a Variant of Uncertain Significance.

Ambry Genetics
Classification: Uncertain significance. Last evaluated: 2022-08-28. Review status: criteria provided, single submitter. Criteria: Ambry Variant Classification Scheme 2023. Collection method: clinical testing. Allele origin: germline.
Comment: The p.M199I variant (also known as c.597G>T), located in coding exon 5 of the RECQL gene, results from a G to T substitution at nucleotide position 597. The methionine at codon 199 is replaced by isoleucine, an amino acid with highly similar properties. This amino acid position is conserved. In addition, this alteration is predicted to be tolerated by in silico analysis. Since supporting evidence is limited at this time, the clinical significance of this alteration remains unclear.

NM_002907.4(RECQL):c.597G>T (p.Met199Ile)

Gene: RECQL (RecQ like helicase; minus strand). Cytogenetic location: 12p12.1.
Variant type: single nucleotide variant.
Coding change: c.597G>T on transcript NM_002907.4 (MANE Select); coding-DNA position 597, G replaced by T.
Protein change: p.Met199Ile; replaces methionine 199 with isoleucine.
Molecular consequence: missense variant.
Genome position (GRCh38, 1-based): chr12:21,483,479, C>A on the plus strand (G>T on the coding strand, the complement: RECQL is on the minus strand). VCF-style: chr12-21483479-C-A. GRCh37 (hg19) VCF-style: chr12-21636413-C-A.
Other names: c.597G>T, p.Met199Ile (NM_032941.3); short protein forms M199I.
Identifiers: ClinVar variation 1750834 (VCV001750834.7), dbSNP rs1943231294, ClinGen allele CA384127299.
Genomic context (GRCh38, chr12:21,483,479, plus strand): 5'-ATCCACAGCAATTCGAGTAAATCTCCTTGCTTCATAGGCTTTCTCTAGTCTTGACATAAA[C>A]ATTTTGCTTTTTGCAATTTTCTCTGGAGTCACATAAATCAGCTTTAACTCGGAGTTTTTA-3'
Protein context (NP_002898.2, residues 189-209): VTPEKIAKSK[Met199Ile]FMSRLEKAYE